The following is an entry in ClinVar:

NM_001130009.3(GEN1):c.1723C>T (p.His575Tyr)

Gene: GEN1 (GEN1 structure-specific endonuclease; plus strand). Cytogenetic location: 2p24.2.
Variant type: single nucleotide variant.
Coding change: c.1723C>T on transcript NM_001130009.3 (MANE Select); coding-DNA position 1723, C replaced by T.
Protein change: p.His575Tyr; replaces histidine 575 with tyrosine.
Molecular consequence: missense variant.
Genome position (GRCh38, 1-based): chr2:17,780,935, C>T. VCF-style: chr2-17780935-C-T. GRCh37 (hg19) VCF-style: chr2-17962202-C-T.
Other names: c.1723C>T, p.His575Tyr (NM_182625.5); short protein forms H575Y.
Identifiers: ClinVar variation 4857991 (VCV004857991.1).

ClinVar aggregate classification (germline): Uncertain significance (1 of 4 stars; one submission).

Submission:

Ambry Genetics
Classification: Uncertain significance. Last evaluated: 2026-05-19. Review status: criteria provided, single submitter. Criteria: Ambry Variant Classification Scheme 2023. Collection method: clinical testing. Allele origin: germline.
Comment: The p.H575Y variant (also known as c.1723C>T), located in coding exon 13 of the GEN1 gene, results from a C to T substitution at nucleotide position 1723. The histidine at codon 575 is replaced by tyrosine, an amino acid with similar properties. This amino acid position is conserved. In addition, this alteration is predicted to be tolerated by in silico analysis. Based on the available evidence, the clinical significance of this variant remains unclear.